The following is an entry in ClinVar:

NM_004370.6(COL12A1):c.4973dup (p.Thr1659fs)

Gene: COL12A1 (collagen type XII alpha 1 chain; minus strand). Cytogenetic location: 6q13.
Variant type: Duplication.
Coding change: c.4973dup on transcript NM_004370.6 (MANE Select); coding-DNA position 4973, one base duplicated (C; older notation c.4973dupC).
Protein change: p.Thr1659fs; shifts the reading frame from threonine 1659.
Molecular consequence: frameshift variant.
Genome position (GRCh38, 1-based): chr6:75,138,946, G duplicated on the plus strand (C on the coding strand, the reverse complement: COL12A1 is on the minus strand); the first of 4 consecutive G bases (chr6:75,138,946-75,138,949); duplicating any one gives the same sequence. VCF-style (leftmost placement, unchanged base first): chr6-75138945-T-TG. GRCh37 (hg19) VCF-style: chr6-75848661-T-TG.
Other names: c.4973dup, p.Thr1659fs (NM_001424113.1, NM_001424114.1); c.4700dup, p.Thr1568fs (NM_001424115.1); c.1481dup, p.Thr495fs (NM_001424116.1, NM_080645.3); short protein forms T1659fs, T495fs, T1568fs.
Identifiers: ClinVar variation 2953268 (VCV002953268.3), dbSNP rs2533320879, ClinGen allele CA2740091443.

ClinVar aggregate classification (germline): Pathogenic (1 of 4 stars; one submission).

Conditions:
Ullrich congenital muscular dystrophy 2 (UCMD2). Identifiers: Orphanet 75840, MedGen C4225314, MONDO:0014654, OMIM 616470.
Bethlem myopathy 2 (BTHLM2). Identifiers: Orphanet 536516, Orphanet 610, MedGen C4225313, MONDO:0034022, OMIM 616471.

Submission:

Labcorp Genetics (formerly Invitae), Labcorp
Classification: Pathogenic for Bethlem myopathy 2; Ullrich congenital muscular dystrophy 2. Last evaluated: 2023-10-24. Review status: criteria provided, single submitter. Criteria: Invitae Variant Classification Sherloc (09022015). Collection method: clinical testing. Allele origin: germline.
Comment: This sequence change creates a premature translational stop signal (p.Thr1659Asnfs*7) in the COL12A1 gene. It is expected to result in an absent or disrupted protein product. Loss-of-function variants in COL12A1 are known to be pathogenic (PMID: 24334604, 28973083). This variant is not present in population databases (gnomAD no frequency). This variant has not been reported in the literature in individuals affected with COL12A1-related conditions. For these reasons, this variant has been classified as Pathogenic.

Literature cited by the submitters: PubMed 24334604; PubMed 28973083.